The following is an entry in ClinVar:

ClinVar aggregate classification (germline): Uncertain significance (1 of 4 stars; one submission).

Conditions:
Cholestasis, progressive familial intrahepatic, 8. Identifiers: MedGen C5562045, MONDO:0030505, OMIM 619662.

Submission:

Juno Genomics, Hangzhou Juno Genomics, Inc
Classification: Uncertain significance for Cholestasis, progressive familial intrahepatic, 8. Review status: criteria provided, single submitter. Criteria: ACMG Guidelines, 2015. Collection method: clinical testing. Allele origin: germline.
Comment: Null variant in a gene where loss of function (LOF) is a known mechanism of disease.;Absent from controls (or at extremely low frequency if recessive) in Genome Aggregation Database.

NM_001388308.1(KIF12):c.1039_1040insCCTC (p.Gln347fs)

Gene: KIF12 (kinesin family member 12; minus strand). Cytogenetic location: 9q32.
Variant type: Insertion.
Coding change: c.1039_1040insCCTC on transcript NM_001388308.1 (MANE Select); coding-DNA positions 1039 to 1040, CCTC inserted.
Protein change: p.Gln347fs; shifts the reading frame from glutamine 347.
Molecular consequence: frameshift variant.
Genome position: GRCh38 VCF-style: chr9-114095102-T-TGAGG. GRCh37 (hg19) VCF-style: chr9-116857382-T-TGAGG.
Other names: c.625_626insCCTC, p.Gln209fs (NM_138424.2); short protein forms Q209fs, Q347fs.
Identifiers: ClinVar variation 5007376 (VCV005007376.2).
Genomic context (GRCh38, chr9:114,095,102, plus strand): 5'-GTGGTGACCCGCTGAGCTCGGCTTGCATATCGCAGGGTGCTGAGAGTCTCAGGAAGGCAC[T>TGAGG]GGGCTGAGGGGGACACGCAGGCCACCTGGGGAGTGCACTCCCCCTGAGCGCTCCTCTCTG-3'